The following is an entry in ClinVar:

ClinVar aggregate classification (germline): Pathogenic (1 of 4 stars; one submission).

Conditions:
Mucopolysaccharidosis, MPS-IV-A (MPS4A). Also called: Morquio syndrome A, mild; MORQUIO SYNDROME A; GALACTOSAMINE-6-SULFATASE DEFICIENCY; GALNS DEFICIENCY; MORQUIO A DISEASE; Mucopolysaccharidosis type IV A. Identifiers: Orphanet 309297, Orphanet 582, MedGen C0086651, MONDO:0009659, OMIM 253000.

Submission:

Labcorp Genetics (formerly Invitae), Labcorp
Classification: Pathogenic for Mucopolysaccharidosis, MPS-IV-A. Last evaluated: 2025-03-17. Review status: criteria provided, single submitter. Criteria: Invitae Variant Classification Sherloc (09022015). Collection method: clinical testing. Allele origin: germline.
Comment: This sequence change replaces serine, which is neutral and polar, with arginine, which is basic and polar, at codon 341 of the GALNS protein (p.Ser341Arg). This variant is not present in population databases (gnomAD no frequency). This missense change has been observed in individual(s) with mucopolysaccharidosis type IVA (PMID: 15309681, 23876334). ClinVar contains an entry for this variant (Variation ID: 2044274). Invitae Evidence Modeling of protein sequence and biophysical properties (such as structural, functional, and spatial information, amino acid conservation, physicochemical variation, residue mobility, and thermodynamic stability) has been performed for this missense variant. However, the output from this modeling did not meet the statistical confidence thresholds required to predict the impact of this variant on GALNS protein function. For these reasons, this variant has been classified as Pathogenic.

Literature cited by the submitters: PubMed 15309681; PubMed 23876334.

NM_000512.5(GALNS):c.1023C>A (p.Ser341Arg)

Gene: GALNS (galactosamine (N-acetyl)-6-sulfatase; minus strand). Cytogenetic location: 16q24.3.
Variant type: single nucleotide variant.
Coding change: c.1023C>A on transcript NM_000512.5 (MANE Select); coding-DNA position 1023, C replaced by A.
Protein change: p.Ser341Arg; replaces serine 341 with arginine.
Molecular consequence: missense variant.
Genome position (GRCh38, 1-based): chr16:88,826,818, G>T on the plus strand (C>A on the coding strand, the complement: GALNS is on the minus strand). VCF-style: chr16-88826818-G-T. GRCh37 (hg19) VCF-style: chr16-88893226-G-T.
Other names: c.468C>A, p.Ser156Arg (NM_001323543.2); c.1041C>A, p.Ser347Arg (NM_001323544.2); short protein forms S156R, S341R, S347R.
Identifiers: ClinVar variation 2044274 (VCV002044274.4), dbSNP rs2142995871, ClinGen allele CA397098622.